The following is an entry in ClinVar:

ClinVar aggregate classification (germline): Uncertain significance. Review status: criteria provided, multiple submitters, no conflicts (2 of 4 stars). 2 submissions from 2 submitters: Uncertain significance (2). Last evaluated 2025-03-18.

Submissions (2):

GeneDx
Classification: Uncertain significance. Last evaluated: 2025-03-18. Review status: criteria provided, single submitter. Criteria: GeneDx Variant Classification Process June 2021. Collection method: clinical testing. Allele origin: germline. Affected: yes.
Comment: Not observed at significant frequency in large population cohorts (gnomAD); Has not been previously published as pathogenic or benign to our knowledge; Reported using an alternate transcript of the gene; Frameshift variant predicted to result in abnormal protein length as the last 42 amino acids are replaced with 7 different amino acids with an unclear effect on protein function

Laboratory for Molecular Medicine, Mass General Brigham Personalized Medicine
Classification: Uncertain significance. Last evaluated: 2013-05-07. Review status: criteria provided, single submitter. Criteria: LMM Criteria. Collection method: clinical testing. Allele origin: germline. Observed: 1 variant allele.
Comment: Variant classified as Uncertain Significance - Favor Pathogenic. The Tyr598fs va riant in EYA4 has not been reported in individuals affected with hearing loss or in large population studies. This frameshift variant is located in exon 18A (al so referred to as exon 19 in the literature) present in alternate splice isoform s of the EYA4 gene, and is predicted to alter the protein?s amino acid sequence beginning at position 598 leading to a premature termination codon 8 amino acids downstream. While the major transcript of EYA4 (NM_004100.4) does not contain e xon 18A, studies have shown that this exon is expressed in human fetal cochlea ( Wayne 2001). In summary, additio nal information is needed to determine the clinical significance of this variant .

Literature cited by the submitters: PubMed 11159937 (cited by Laboratory for Molecular Medicine, Mass General Brigham Personalized Medicine).

NM_004100.5(EYA4):c.1739-85_1739-81del

Genes: EYA4 (EYA transcriptional coactivator and phosphatase 4; plus strand), TARID (TCF21 antisense RNA inducing promoter demethylation; minus strand). Cytogenetic location: 6q23.2.
Variant type: Deletion.
Coding change: c.1739-85_1739-81del on transcript NM_004100.5 (MANE Select); 85 bases into the intron before coding-DNA position 1739 through 81 bases into the intron before coding-DNA position 1739, 5 bases deleted (ATGTT; older notation c.1739-85_1739-81delATGTT).
Molecular consequence: intron variant. On other transcripts: frameshift variant (3).
Genome position (GRCh38, 1-based): chr6:133,525,069-133,525,073, ATGTT deleted; deleting any 5 consecutive bases within chr6:133,525,067-133,525,073 gives the same sequence; the c. name uses the placement nearest the transcript's 3' end. VCF-style (leftmost placement, unchanged base first): chr6-133525066-CTTATG-C. GRCh37 (hg19) VCF-style: chr6-133846204-CTTATG-C.
Other names: c.1631_1635del, p.Tyr544fs (NM_001301012.2); c.1724_1728del, p.Tyr575fs (NM_001370458.1); c.1793_1797del, p.Tyr598fs (NM_172105.4); c.1757-85_1757-81del (NM_001301013.2); c.1670-85_1670-81del (NM_172103.4); c.1595-85_1595-81del (NM_001370459.1); c.1793_1797delATGTT (NM_172105.3); short protein forms Y598fs, Y544fs, Y575fs.
Identifiers: ClinVar variation 163453 (VCV000163453.9), dbSNP rs727503053, ClinGen allele CA176106.